The following is an entry in ClinVar:

NM_000051.4(ATM):c.2246C>G (p.Ala749Gly)

Gene: ATM (ATM serine/threonine kinase; plus strand). Cytogenetic location: 11q22.3.
Variant type: single nucleotide variant.
Coding change: c.2246C>G on transcript NM_000051.4 (MANE Select); coding-DNA position 2246, C replaced by G.
Protein change: p.Ala749Gly; replaces alanine 749 with glycine.
Molecular consequence: missense variant.
Genome position (GRCh38, 1-based): chr11:108,256,336, C>G. VCF-style: chr11-108256336-C-G. GRCh37 (hg19) VCF-style: chr11-108127063-C-G.
Other names: c.2246C>G, p.Ala749Gly (NM_001351834.2); short protein forms A749G.
Identifiers: ClinVar variation 844268 (VCV000844268.10), dbSNP rs867443346, ClinGen allele CA382539289.

ClinVar aggregate classification (germline): Uncertain significance. Review status: criteria provided, multiple submitters, no conflicts (2 of 4 stars). 2 submissions from 2 submitters: Uncertain significance (2). Last evaluated 2026-05-21.

Conditions:
Hereditary cancer-predisposing syndrome. Also called: Tumor predisposition; Neoplastic Syndromes, Hereditary; Hereditary neoplastic syndrome; Hereditary Cancer Syndrome. Identifiers: Orphanet 140162, MedGen C0027672, MeSH D009386, MONDO:0015356.
Ataxia-telangiectasia syndrome (AT). Also called: ATAXIA-TELANGIECTASIA, FRESNO VARIANT; Ataxia telangiectasia (A-T); LOUIS-BAR SYNDROME; Ataxia-telangiectasia, complementation group D; AT, COMPLEMENTATION GROUP C; ATAXIA-TELANGIECTASIA, COMPLEMENTATION GROUP A. Identifiers: Orphanet 100, MedGen C0004135, MONDO:0008840, OMIM 208900.

Allele frequency attached by ClinVar (database versions not stated): gnomAD exomes below 0.00001.
gnomAD v4.1: 1 of 1,609,014 alleles (0.000062%); highest among the groups gnomAD compares: Admixed American, 0.0017%; no homozygotes.

Submissions (2):

Ambry Genetics
Classification: Uncertain significance for Hereditary cancer-predisposing syndrome. Last evaluated: 2026-05-21. Review status: criteria provided, single submitter. Criteria: Ambry Variant Classification Scheme 2023. Collection method: clinical testing. Allele origin: germline.
Comment: The p.A749G variant (also known as c.2246C>G), located in coding exon 13 of the ATM gene, results from a C to G substitution at nucleotide position 2246. The alanine at codon 749 is replaced by glycine, an amino acid with similar properties. In an assay testing ATM function, this variant showed a functionally normal result (Lee KS et al. Cell, 2025 Sep;188:5081-5099.e27). This amino acid position is highly conserved in available vertebrate species. In addition, the in silico prediction for this alteration is inconclusive. Based on the available evidence, the clinical significance of this variant remains unclear.

Labcorp Genetics (formerly Invitae), Labcorp
Classification: Uncertain significance for Ataxia-telangiectasia syndrome. Last evaluated: 2019-11-26. Review status: criteria provided, single submitter. Criteria: Invitae Variant Classification Sherloc (09022015). Collection method: clinical testing. Allele origin: germline.
Comment: In summary, the available evidence is currently insufficient to determine the role of this variant in disease. Therefore, it has been classified as a Variant of Uncertain Significance. Algorithms developed to predict the effect of missense changes on protein structure and function are either unavailable or do not agree on the potential impact of this missense change (SIFT: "Tolerated"; PolyPhen-2: "Probably Damaging"; Align-GVGD: "Class C0"). This variant has not been reported in the literature in individuals with ATM-related conditions. This variant is not present in population databases (ExAC no frequency). This sequence change replaces alanine with glycine at codon 749 of the ATM protein (p.Ala749Gly). The alanine residue is moderately conserved and there is a small physicochemical difference between alanine and glycine.

Literature cited by the submitters: PubMed 40580951 (cited by Ambry Genetics).